The following is an entry in ClinVar:

NM_019892.6(INPP5E):c.1380C>A (p.Ser460=)

Gene: INPP5E (inositol polyphosphate-5-phosphatase E; minus strand). Cytogenetic location: 9q34.3.
Variant type: single nucleotide variant.
Coding change: c.1380C>A on transcript NM_019892.6 (MANE Select); coding-DNA position 1380, C replaced by A.
Protein change: p.Ser460=; no amino-acid change (serine 460 retained).
Molecular consequence: synonymous variant.
Genome position (GRCh38, 1-based): chr9:136,432,486, G>T on the plus strand (C>A on the coding strand, the complement: INPP5E is on the minus strand). VCF-style: chr9-136432486-G-T. GRCh37 (hg19) VCF-style: chr9-139326938-G-T.
Other names: c.1377C>A, p.Ser459= (NM_001318502.2).
Identifiers: ClinVar variation 3356427 (VCV003356427.1).

ClinVar aggregate classification (germline): Likely benign (0 of 4 stars; one submission).

Conditions:
INPP5E-related disorder. Also called: INPP5E-related condition.

gnomAD v4.1: 1 of 1,548,292 alleles (0.000065%); highest among the groups gnomAD compares: Non-Finnish European, 0.000087%; no homozygotes.

Submission:

PreventionGenetics, part of Exact Sciences
Classification: Likely benign for INPP5E-related condition. Last evaluated: 2023-05-19. Review status: no assertion criteria provided. Collection method: clinical testing. Allele origin: germline.
Comment: This variant is classified as likely benign based on ACMG/AMP sequence variant interpretation guidelines (Richards et al. 2015 PMID: 25741868, with internal and published modifications).